The following is an entry in ClinVar:

NM_001031725.6(DDX59):c.751T>C (p.Ser251Pro)

Gene: DDX59 (DEAD-box helicase 59; minus strand). Cytogenetic location: 1q32.1.
Variant type: single nucleotide variant.
Coding change: c.751T>C on transcript NM_001031725.6 (MANE Select); coding-DNA position 751, T replaced by C.
Protein change: p.Ser251Pro; replaces serine 251 with proline.
Molecular consequence: missense variant.
Genome position (GRCh38, 1-based): chr1:200,665,990, A>G on the plus strand (T>C on the coding strand, the complement: DDX59 is on the minus strand). VCF-style: chr1-200665990-A-G. GRCh37 (hg19) VCF-style: chr1-200635118-A-G.
Other names: c.751T>C, p.Ser251Pro (NM_001320181.2, NM_001320182.1, NM_001349799.3 and 5 more transcripts); short protein forms S251P.
Identifiers: ClinVar variation 637029 (VCV000637029.1), dbSNP rs1571655262, ClinGen allele CA344147914.

ClinVar aggregate classification (germline): Uncertain significance (1 of 4 stars; one submission).

Conditions:
Orofaciodigital syndrome V. Also called: OFDS V; ORAL-FACIAL-DIGITAL SYNDROME, TYPE V; OROFACIODIGITAL SYNDROME, THURSTON TYPE; THURSTON SYNDROME. Identifiers: Orphanet 2919, MedGen C1868118, MONDO:0008267, OMIM 174300.

Submission:

Laboratory of Medical Genetics, National & Kapodistrian University of Athens
Classification: Uncertain significance for Orofaciodigital syndrome V. Last evaluated: 2018-05-21. Review status: criteria provided, single submitter. Criteria: ACMG Guidelines, 2015. Collection method: clinical testing. Allele origin: germline. Affected: yes.
Comment: PM2,PP3